The following is an entry in ClinVar:

NM_014714.4(IFT140):c.886G>A (p.Gly296Arg)

Genes: IFT140 (intraflagellar transport 140; minus strand), LOC105371046 (uncharacterized LOC105371046; plus strand). Cytogenetic location: 16p13.3.
Variant type: single nucleotide variant.
Coding change: c.886G>A on transcript NM_014714.4 (MANE Select); coding-DNA position 886, G replaced by A.
Protein change: p.Gly296Arg; replaces glycine 296 with arginine.
Molecular consequence: missense variant.
Genome position (GRCh38, 1-based): chr16:1,587,949, C>T on the plus strand (G>A on the coding strand, the complement: IFT140 is on the minus strand). VCF-style: chr16-1587949-C-T. GRCh37 (hg19) VCF-style: chr16-1637950-C-T.
Other names: short protein forms G296R.
Identifiers: ClinVar variation 1019013 (VCV001019013.7), dbSNP rs574450870, ClinGen allele CA7814519.

ClinVar aggregate classification (germline): Uncertain significance. Review status: criteria provided, multiple submitters, no conflicts (2 of 4 stars). 3 submissions from 3 submitters: Uncertain significance (3). Last evaluated 2024-09-12.

Conditions:
Retinal dystrophy. Also called: Inherited retinal dystrophy. Identifiers: Orphanet 71862, MedGen C0854723, MeSH D058499, MONDO:0019118, HP:0000556.
Saldino-Mainzer syndrome (SRTD9). Also called: Renal dysplasia, retinal pigmentary dystrophy, cerebellar ataxia and skeletal dysplasia; SHORT-RIB THORACIC DYSPLASIA 9 WITHOUT POLYDACTYLY; CONORENAL SYNDROME; short-rib thoracic dysplasia 9 with or without polydactyly. Identifiers: Orphanet 140969, MedGen C1849437, MONDO:0009964, OMIM 266920.

Allele frequency attached by ClinVar (database versions not stated): TOPMed 0.00002; gnomAD 0.00003 and 0.00006; gnomAD exomes 0.00004 and 0.00005; ExAC 0.00010; 1000 Genomes Project 30x 0.00031; 1000 Genomes Project 0.00040.
gnomAD v4.1: 76 of 1,612,350 alleles (0.0047%); highest among the groups gnomAD compares: South Asian, 0.051%; no homozygotes.

Submissions (3):

Blueprint Genetics
Classification: Uncertain significance. Last evaluated: 2024-09-12. Review status: criteria provided, single submitter. Criteria: ACMG Guidelines, 2015. Collection method: clinical testing. Allele origin: germline.

Dept Of Ophthalmology, Nagoya University
Classification: Uncertain significance for Retinal dystrophy. Last evaluated: 2023-10-01. Review status: criteria provided, single submitter. Criteria: Submitter's publication. Collection method: research. Allele origin: germline. Affected: yes.

Labcorp Genetics (formerly Invitae), Labcorp
Classification: Uncertain significance for Saldino-Mainzer syndrome. Last evaluated: 2022-11-01. Review status: criteria provided, single submitter. Criteria: Invitae Variant Classification Sherloc (09022015). Collection method: clinical testing. Allele origin: germline.
Comment: In summary, the available evidence is currently insufficient to determine the role of this variant in disease. Therefore, it has been classified as a Variant of Uncertain Significance. Advanced modeling of protein sequence and biophysical properties (such as structural, functional, and spatial information, amino acid conservation, physicochemical variation, residue mobility, and thermodynamic stability) has been performed at Invitae for this missense variant, however the output from this modeling did not meet the statistical confidence thresholds required to predict the impact of this variant on IFT140 protein function. ClinVar contains an entry for this variant (Variation ID: 1019013). This variant has not been reported in the literature in individuals affected with IFT140-related conditions. This variant is present in population databases (rs574450870, gnomAD 0.02%). This sequence change replaces glycine, which is neutral and non-polar, with arginine, which is basic and polar, at codon 296 of the IFT140 protein (p.Gly296Arg).